The following is an entry in ClinVar:

NM_001031679.3(MSRB3):c.531G>A (p.Pro177=)

Gene: MSRB3 (methionine sulfoxide reductase B3; plus strand). Cytogenetic location: 12q14.3.
Variant type: single nucleotide variant.
Coding change: c.531G>A on transcript NM_001031679.3 (MANE Select); coding-DNA position 531, G replaced by A.
Protein change: p.Pro177=; no amino-acid change (proline 177 retained).
Molecular consequence: synonymous variant.
Genome position (GRCh38, 1-based): chr12:65,463,295, G>A. VCF-style: chr12-65463295-G-A. GRCh37 (hg19) VCF-style: chr12-65857075-G-A.
Other names: c.531G>A, p.Pro177= (NM_001193460.2, NM_001193461.2); c.552G>A, p.Pro184= (NM_198080.4).
Identifiers: ClinVar variation 504615 (VCV000504615.17), dbSNP rs148675122, ClinGen allele CA6671543.
Genomic context (GRCh38, chr12:65,463,295, plus strand): 5'-GTCTTTTACACCTGCGGATAGCAGTGGCACCGCCGAGGGAGGCAGTGGGGTCGCCAGCCC[G>A]GCCCAGGCAGACAAAGCGGAGCTCTAGAGTAATGGAGAGTGATGGAAACAAAGTGTACTT-3'
Protein context (NP_001026849.1, residues 167-185): TAEGGSGVAS[Pro177=]AQADKAEL

ClinVar aggregate classification (germline): Benign/Likely benign. Review status: criteria provided, multiple submitters, no conflicts (2 of 4 stars). 5 submissions from 5 submitters: Benign (2); Likely benign (3). Last evaluated 2026-09-01.

Conditions:
MSRB3-related disorder. Also called: MSRB3-related condition.

Allele frequency attached by ClinVar (database versions not stated): ESP Exome Variant Server 0.00008; gnomAD 0.00019 and 0.00024; gnomAD exomes 0.00021 and 0.00047; TOPMed 0.00031; ExAC 0.00044; 1000 Genomes Project 0.00060; 1000 Genomes Project 30x 0.00062.
gnomAD v4.1: 346 of 1,614,138 alleles (0.021%); highest among the groups gnomAD compares: East Asian, 0.5%; no homozygotes.

Submissions (5):

PreventionGenetics, part of Exact Sciences
Classification: Likely benign for MSRB3-related condition. Last evaluated: 2026-09-01. Review status: criteria provided, single submitter. Criteria: ACMG Guidelines, 2015. Collection method: clinical testing. Allele origin: germline.
Comment: This variant is classified as likely benign based on ACMG/AMP sequence variant interpretation guidelines (Richards et al. 2015 PMID: 25741868, with internal and published modifications).

Labcorp Genetics (formerly Invitae), Labcorp
Classification: Benign. Last evaluated: 2025-12-24. Review status: criteria provided, single submitter. Criteria: Invitae Variant Classification Sherloc (09022015). Collection method: clinical testing. Allele origin: germline.

Blueprint Genetics
Classification: Likely benign. Last evaluated: 2024-10-29. Review status: criteria provided, single submitter. Criteria: ACMG Guidelines, 2015. Collection method: clinical testing. Allele origin: germline.

GeneDx
Classification: Likely benign. Last evaluated: 2021-04-30. Review status: criteria provided, single submitter. Criteria: GeneDx Variant Classification Process June 2021. Collection method: clinical testing. Allele origin: germline. Affected: yes.

Laboratory for Molecular Medicine, Mass General Brigham Personalized Medicine
Classification: Benign. Last evaluated: 2017-06-26. Review status: criteria provided, single submitter. Criteria: LMM Criteria. Collection method: clinical testing. Allele origin: germline. Observed: 2 variant alleles.
Comment: p.Pro177Pro in Exon 08 of MSRB3: This variant is not expected to have clinical s ignificance because it does not alter an amino acid residue, is not located with in the splice consensus sequence, and has been identified in 0.57% (108/18852) o f East Asian chromosomes by the Genome Aggregation Database (gnomAD; dbSNP rs148675122).